The following is an entry in ClinVar:

NM_000064.4(C3):c.1042A>G (p.Ile348Val)

Gene: C3 (complement C3; minus strand). Cytogenetic location: 19p13.3.
Variant type: single nucleotide variant.
Coding change: c.1042A>G on transcript NM_000064.4 (MANE Select); coding-DNA position 1042, A replaced by G.
Protein change: p.Ile348Val; replaces isoleucine 348 with valine.
Molecular consequence: missense variant.
Genome position (GRCh38, 1-based): chr19:6,712,585, T>C on the plus strand (A>G on the coding strand, the complement: C3 is on the minus strand). VCF-style: chr19-6712585-T-C. GRCh37 (hg19) VCF-style: chr19-6712596-T-C.
Other names: c.1042A>G (LRG_27t1); short protein forms I348V.
Identifiers: ClinVar variation 330331 (VCV000330331.15), dbSNP rs141737564, ClinGen allele CA9129574.
Genomic context (GRCh38, chr19:6,712,585, plus strand): 5'-TTCCTGGTTTGAAGTACTTGGGTGTCTTGGTGAAGTGGATCTGGTAGGGAGAGGTCACGA[T>C]GGGGATCCCGCTGCGCTCTGCCTGCACCATGTCACTGCCTGAGGGGACCAGCTGTGAGTG-3'
Protein context (NP_000055.2, residues 338-358): MVQAERSGIP[Ile348Val]VTSPYQIHFT

ClinVar aggregate classification (germline): Conflicting classifications of pathogenicity. Review status: criteria provided, conflicting classifications (1 of 4 stars). 5 submissions from 3 submitters: Uncertain significance (4); Benign (1). Last evaluated 2025-08-11.

Conditions:
Complement component 3 deficiency. Identifiers: Orphanet 280133, MedGen C3151071, MONDO:0013417, OMIM 613779.
Age related macular degeneration 9. Identifiers: MedGen C1969651, MONDO:0012659, OMIM 611378.
Atypical hemolytic-uremic syndrome with C3 anomaly. Also called: AHUS, SUSCEPTIBILITY TO, 5. Identifiers: Orphanet 2134, MedGen C2752037, MONDO:0013043, OMIM 612925.

Allele frequency attached by ClinVar (database versions not stated): gnomAD 0.00001 and 0.00003; TOPMed 0.00002; ExAC 0.00005; 1000 Genomes Project 30x 0.00016; 1000 Genomes Project 0.00020; ESP Exome Variant Server 0.00031.
gnomAD v4.1: 116 of 1,614,126 alleles (0.0072%); highest among the groups gnomAD compares: Non-Finnish European, 0.0095%; no homozygotes.

Submissions (5):

Labcorp Genetics (formerly Invitae), Labcorp
Classification: Uncertain significance. Last evaluated: 2025-08-11. Review status: criteria provided, single submitter. Criteria: Invitae Variant Classification Sherloc (09022015). Collection method: clinical testing. Allele origin: germline.
Comment: This sequence change replaces isoleucine, which is neutral and non-polar, with valine, which is neutral and non-polar, at codon 348 of the C3 protein (p.Ile348Val). This variant is present in population databases (rs141737564, gnomAD 0.005%). This variant has not been reported in the literature in individuals affected with C3-related conditions. ClinVar contains an entry for this variant (Variation ID: 330331). Invitae Evidence Modeling of protein sequence and biophysical properties (such as structural, functional, and spatial information, amino acid conservation, physicochemical variation, residue mobility, and thermodynamic stability) indicates that this missense variant is not expected to disrupt C3 protein function with a negative predictive value of 80%. In summary, the available evidence is currently insufficient to determine the role of this variant in disease. Therefore, it has been classified as a Variant of Uncertain Significance.

Mayo Clinic Laboratories, Mayo Clinic
Classification: Uncertain significance. Last evaluated: 2019-12-03. Review status: criteria provided, single submitter. Criteria: ACMG Guidelines, 2015. Collection method: clinical testing. Allele origin: germline. Observed: 1 variant allele.

Illumina Laboratory Services, Illumina
Classification: Uncertain significance for Age related macular degeneration 9. Last evaluated: 2019-07-08. Review status: criteria provided, single submitter. Criteria: ICSL Variant Classification Criteria 13 December 2019. Collection method: clinical testing. Allele origin: germline.

Illumina Laboratory Services, Illumina
Classification: Benign for Atypical hemolytic-uremic syndrome with C3 anomaly. Last evaluated: 2019-07-08. Review status: criteria provided, single submitter. Criteria: ICSL Variant Classification Criteria 13 December 2019. Collection method: clinical testing. Allele origin: germline.
Comment: This variant was observed as part of a predisposition screen in an ostensibly healthy population. A literature search was performed for the gene, cDNA change, and amino acid change (where applicable). No publications were found based on this search. Allele frequency data from public databases was too high to be consistent with this variant causing disease. Therefore, this variant is classified as benign.

Illumina Laboratory Services, Illumina
Classification: Uncertain significance for Complement component 3 deficiency. Last evaluated: 2019-07-08. Review status: criteria provided, single submitter. Criteria: ICSL Variant Classification Criteria 13 December 2019. Collection method: clinical testing. Allele origin: germline.